The following is an entry in ClinVar:

ClinVar aggregate classification (germline): Uncertain significance (1 of 4 stars; one submission).

Conditions:
Hereditary sensory neuropathy-deafness-dementia syndrome. Also called: Hereditary sensory neuropathy type IE; NEUROPATHY, HEREDITARY SENSORY, WITH HEARING LOSS AND DEMENTIA; Hereditary Sensory and Autonomic Neuropathy Type 1E (HSAN1E); HSN IE. Identifiers: Orphanet 456318, MedGen C3279885, MONDO:0013584, OMIM 614116.

Allele frequency attached by ClinVar (database versions not stated): gnomAD exomes below 0.00001 and 0.00001; TOPMed below 0.00001; gnomAD 0.00001.
gnomAD v4.1: 9 of 1,613,680 alleles (0.00056%); highest among the groups gnomAD compares: Non-Finnish European, 0.00068%; no homozygotes.

Submission:

Labcorp Genetics (formerly Invitae), Labcorp
Classification: Uncertain significance for Hereditary sensory neuropathy-deafness-dementia syndrome. Last evaluated: 2025-05-27. Review status: criteria provided, single submitter. Criteria: Invitae Variant Classification Sherloc (09022015). Collection method: clinical testing. Allele origin: germline.
Comment: This sequence change falls in intron 3 of the DNMT1 gene. It does not directly change the encoded amino acid sequence of the DNMT1 protein. It affects a nucleotide within the consensus splice site. This variant is present in population databases (no rsID available, gnomAD 0.0009%). This variant has not been reported in the literature in individuals affected with DNMT1-related conditions. ClinVar contains an entry for this variant (Variation ID: 539610). Variants that disrupt the consensus splice site are a relatively common cause of aberrant splicing (PMID: 17576681, 9536098). Algorithms developed to predict the effect of sequence changes on RNA splicing suggest that this variant is not likely to affect RNA splicing. In summary, the available evidence is currently insufficient to determine the role of this variant in disease. Therefore, it has been classified as a Variant of Uncertain Significance.

Literature cited by the submitters: PubMed 17576681; PubMed 9536098.

NM_001130823.3(DNMT1):c.225+4A>G

Gene: DNMT1 (DNA methyltransferase 1; minus strand). Cytogenetic location: 19p13.2.
Variant type: single nucleotide variant.
Coding change: c.225+4A>G on transcript NM_001130823.3 (MANE Select); 4 bases into the intron after coding-DNA position 225, A replaced by G.
Molecular consequence: intron variant.
Genome position (GRCh38, 1-based): chr19:10,180,774, T>C on the plus strand (A>G on the coding strand, the complement: DNMT1 is on the minus strand). VCF-style: chr19-10180774-T-C. GRCh37 (hg19) VCF-style: chr19-10291450-T-C.
Other names: c.225+4A>G (LRG_362t1, NM_001379.4, NM_001318730.2); c.-99+4A>G (NM_001318731.2).
Identifiers: ClinVar variation 539610 (VCV000539610.6), dbSNP rs1265807438, ClinGen allele CA631709585.